The following is an entry in ClinVar:

ClinVar aggregate classification (germline): Pathogenic. Review status: criteria provided, multiple submitters, no conflicts (2 of 4 stars). 6 submissions from 6 submitters: Pathogenic (5). 1 of the submissions does not count toward it. Last evaluated 2026-03-06.

Conditions:
Macular dystrophy. Identifiers: MedGen C0730292, HP:0007754.
ABCA4-related disorder. Also called: ABCA4-related condition; ABCA4-related disorders. Identifiers: MedGen CN239167.
Retinal dystrophy. Also called: Inherited retinal dystrophy. Identifiers: Orphanet 71862, MedGen C0854723, MeSH D058499, MONDO:0019118, HP:0000556.

Submissions (6):

Dasa
Classification: Pathogenic. Last evaluated: 2026-03-06. Review status: criteria provided, single submitter. Criteria: DASA Assertion Criteria. Collection method: clinical testing. Allele origin: germline.
Comment: NM_000350.3(ABCA4):c.4537del (p.Gln1513ArgfsTer13) introduces a premature termination codon predicted to result in loss of normal protein function. Loss-of-function is an established mechanism of disease for this gene. This variant has been recurrently observed in affected individuals with related phenotype in a genotype context consistent with recessive disease (PMID: 20696155; PMID: 19028736). The variant is present at low frequency in population datasets. Based on the available data, this variant is classified as pathogenic.

Labcorp Genetics (formerly Invitae), Labcorp
Classification: Pathogenic. Last evaluated: 2025-03-17. Review status: criteria provided, single submitter. Criteria: Invitae Variant Classification Sherloc (09022015). Collection method: clinical testing. Allele origin: germline.
Comment: This sequence change creates a premature translational stop signal (p.Gln1513Argfs*13) in the ABCA4 gene. It is expected to result in an absent or disrupted protein product. Loss-of-function variants in ABCA4 are known to be pathogenic (PMID: 10958761, 24938718, 25312043, 26780318). The frequency data for this variant in the population databases is considered unreliable, as metrics indicate poor data quality at this position in the gnomAD database. This premature translational stop signal has been observed in individuals with ABCA4-related retinal dystrophies (PMID: 19028736, 20696155). It has also been observed to segregate with disease in related individuals. ClinVar contains an entry for this variant (Variation ID: 438096). For these reasons, this variant has been classified as Pathogenic.

Blueprint Genetics
Classification: Pathogenic for ABCA4-related disorders. Last evaluated: 2022-01-31. Review status: criteria provided, single submitter. Criteria: ACMG Guidelines, 2015. Collection method: clinical testing. Allele origin: germline. Affected: yes. Observed: 5 variant alleles.

GeneDx
Classification: Pathogenic. Last evaluated: 2019-12-08. Review status: criteria provided, single submitter. Criteria: GeneDx Variant Classification Process June 2021. Collection method: clinical testing. Allele origin: germline. Affected: yes.
Comment: Frameshift variant predicted to result in protein truncation or nonsense mediated decay in a gene for which loss-of-function is a known mechanism of disease; This variant is associated with the following publications: (PMID: 32581362, 32467599, 19959634, 23755871, 20696155, 28041643, 20960624)

Institute of Human Genetics, Univ. Regensburg, Univ. Regensburg
Classification: Pathogenic for Retinal dystrophy. Last evaluated: 2019-01-01. Review status: criteria provided, single submitter. Criteria: ACMG Guidelines, 2015. Collection method: clinical testing. Allele origin: germline. Affected: yes.

NIHR Bioresource Rare Diseases, University of Cambridge
Classification: Pathogenic for Macular dystrophy. Last evaluated: 2015-01-01. Review status: no assertion criteria provided. Collection method: research. Allele origin: unknown. Affected: yes. Observed: 1 variant allele. Not counted in ClinVar's aggregate classification.

Literature cited by the submitters: PubMed 20696155 (cited by 3 submitters); PubMed 19028736 (cited by Dasa and Labcorp Genetics (formerly Invitae), Labcorp); PubMed 10958761 (cited by Labcorp Genetics (formerly Invitae), Labcorp); PubMed 24938718 (cited by Labcorp Genetics (formerly Invitae), Labcorp); PubMed 25312043 (cited by Labcorp Genetics (formerly Invitae), Labcorp); PubMed 26780318 (cited by Labcorp Genetics (formerly Invitae), Labcorp); PubMed 32467599 (cited by Institute of Human Genetics, Univ. Regensburg, Univ. Regensburg); PubMed 31429209 (cited by Institute of Human Genetics, Univ. Regensburg, Univ. Regensburg); PubMed 32307445 (cited by Institute of Human Genetics, Univ. Regensburg, Univ. Regensburg); PubMed 32581362 (cited by Institute of Human Genetics, Univ. Regensburg, Univ. Regensburg); PubMed 33301772 (cited by Institute of Human Genetics, Univ. Regensburg, Univ. Regensburg); PubMed 35119454 (cited by Institute of Human Genetics, Univ. Regensburg, Univ. Regensburg); PubMed 20960624 (cited by NIHR Bioresource Rare Diseases, University of Cambridge); PubMed 28041643 (cited by NIHR Bioresource Rare Diseases, University of Cambridge).

NM_000350.3(ABCA4):c.4537del (p.Gln1513fs)

Gene: ABCA4 (ATP binding cassette subfamily A member 4; minus strand). Cytogenetic location: 1p22.1.
Variant type: Deletion.
Coding change: c.4537del on transcript NM_000350.3 (MANE Select); coding-DNA position 4537, one base deleted (C; older notation c.4537delC).
Protein change: p.Gln1513fs; shifts the reading frame from glutamine 1513.
Molecular consequence: frameshift variant.
Genome position (GRCh38, 1-based): chr1:94,029,447, G deleted on the plus strand (C on the coding strand, the reverse complement: ABCA4 is on the minus strand); the first of 7 consecutive G bases (chr1:94,029,447-94,029,453); deleting any one gives the same sequence. VCF-style (leftmost placement, unchanged base first): chr1-94029446-TG-T. GRCh37 (hg19) VCF-style: chr1-94495002-TG-T.
Other names: c.4537del (NM_000350.2); c.4309delC, p.Gln1439Argfs (NM_001425324.1); short protein forms Q1513fs.
Identifiers: ClinVar variation 438096 (VCV000438096.18), dbSNP rs281865377, ClinGen allele CA524697424.